The following is an entry in ClinVar:

ClinVar aggregate classification (germline): Likely benign. Review status: criteria provided, multiple submitters, no conflicts (2 of 4 stars). 3 submissions from 3 submitters: Likely benign (3). Last evaluated 2025-12-17.

Conditions:
GSN-related disorder. Also called: GSN-related condition.
Finnish type amyloidosis. Also called: AMYLOID CRANIAL NEUROPATHY WITH LATTICE CORNEAL DYSTROPHY; AMYLOIDOSIS DUE TO MUTANT GELSOLIN; AMYLOIDOSIS, HEREDITARY SYSTEMIC 4, FINNISH TYPE; Lattice corneal dystrophy associated with familial systemic amyloidosis; Meretoja's syndrome; Lattice dystrophy of the cornea with hereditary generalized amyloidosis. Identifiers: Orphanet 85448, MedGen C1622345, MONDO:0007097, OMIM 105120.

Allele frequency attached by ClinVar (database versions not stated): gnomAD exomes 0.00002; ExAC 0.00003; TOPMed 0.00022; ESP Exome Variant Server 0.00023; gnomAD 0.00023 and 0.00026.
gnomAD v4.1: 68 of 1,613,882 alleles (0.0042%); highest among the groups gnomAD compares: African/African-American, 0.085%; no homozygotes.

Submissions (3):

PreventionGenetics, part of Exact Sciences
Classification: Likely benign for GSN-related condition. Last evaluated: 2025-12-17. Review status: criteria provided, single submitter. Criteria: ACMG Guidelines, 2015. Collection method: clinical testing. Allele origin: germline.
Comment: This variant is classified as likely benign based on ACMG/AMP sequence variant interpretation guidelines (Richards et al. 2015 PMID: 25741868, with internal and published modifications).

Labcorp Genetics (formerly Invitae), Labcorp
Classification: Likely benign. Last evaluated: 2025-01-08. Review status: criteria provided, single submitter. Criteria: Invitae Variant Classification Sherloc (09022015). Collection method: clinical testing. Allele origin: germline.

Fulgent Genetics
Classification: Likely benign for Finnish type amyloidosis. Last evaluated: 2021-09-20. Review status: criteria provided, single submitter. Criteria: ACMG Guidelines, 2015. Collection method: clinical testing. Allele origin: unknown.

NM_198252.3(GSN):c.285C>T (p.His95=)

Gene: GSN (gelsolin; plus strand). Cytogenetic location: 9q33.2.
Variant type: single nucleotide variant.
Coding change: c.285C>T on transcript NM_198252.3 (MANE Select); coding-DNA position 285, C replaced by T.
Protein change: p.His95=; no amino-acid change (histidine 95 retained).
Molecular consequence: synonymous variant. On other transcripts: 5 prime UTR variant (1).
Genome position (GRCh38, 1-based): chr9:121,302,999, C>T. VCF-style: chr9-121302999-C-T. GRCh37 (hg19) VCF-style: chr9-124065277-C-T.
Other names: c.438C>T (NM_000177.4); c.438C>T, p.His146= (NM_000177.5); c.285C>T, p.His95= (NM_001127662.2, NM_001127664.2, NM_001127665.2 and 10 more transcripts); c.393C>T, p.His131= (NM_001127663.2); c.318C>T, p.His106= (NM_001127666.2, NM_001127667.2, NM_001353063.2 and 13 more transcripts); c.336C>T, p.His112= (NM_001258029.2); c.309C>T, p.His103= (NM_001258030.2); c.357C>T, p.His119= (NM_001353076.2); and 1 more.
Identifiers: ClinVar variation 1611096 (VCV001611096.10), dbSNP rs142155964, ClinGen allele CA5220830.